The following is an entry in ClinVar:

ClinVar aggregate classification (germline): Uncertain significance (1 of 4 stars; one submission).

Conditions:
Carney complex, type 1 (CNC1). Also called: CARNEY COMPLEX, TYPE I; CARNEY MYXOMA-ENDOCRINE COMPLEX. Identifiers: Orphanet 1359, MedGen C2607929, MONDO:0008057, OMIM 160980.

Submission:

Labcorp Genetics (formerly Invitae), Labcorp
Classification: Uncertain significance for Carney complex, type 1. Last evaluated: 2020-09-09. Review status: criteria provided, single submitter. Criteria: Invitae Variant Classification Sherloc (09022015). Collection method: clinical testing. Allele origin: germline.
Comment: This sequence change replaces leucine with valine at codon 330 of the PRKAR1A protein (p.Leu330Val). The leucine residue is highly conserved and there is a small physicochemical difference between leucine and valine. This variant is not present in population databases (ExAC no frequency). This variant has not been reported in the literature in individuals with PRKAR1A-related conditions. Algorithms developed to predict the effect of missense changes on protein structure and function are either unavailable or do not agree on the potential impact of this missense change (SIFT: "Deleterious"; PolyPhen-2: "Benign"; Align-GVGD: "Class C0"). In summary, the available evidence is currently insufficient to determine the role of this variant in disease. Therefore, it has been classified as a Variant of Uncertain Significance.

NM_002734.5(PRKAR1A):c.988C>G (p.Leu330Val)

Gene: PRKAR1A (protein kinase cAMP-dependent type I regulatory subunit alpha; plus strand). Cytogenetic location: 17q24.2.
Variant type: single nucleotide variant.
Coding change: c.988C>G on transcript NM_002734.5 (MANE Select); coding-DNA position 988, C replaced by G.
Protein change: p.Leu330Val; replaces leucine 330 with valine.
Molecular consequence: missense variant. On other transcripts: intron variant (1).
Genome position (GRCh38, 1-based): chr17:68,530,291, C>G. VCF-style: chr17-68530291-C-G. GRCh37 (hg19) VCF-style: chr17-66526432-C-G.
Other names: c.988C>G, p.Leu330Val (NM_001276289.2, NM_001278433.2, NM_001369389.1 and 3 more transcripts); c.973+290C>G (NM_001276290.1); short protein forms L330V.
Identifiers: ClinVar variation 850135 (VCV000850135.9), dbSNP rs1483558034, ClinGen allele CA400754433.